The following is an entry in ClinVar:

ClinVar aggregate classification (germline): Uncertain significance (1 of 4 stars; one submission).

Conditions:
Hereditary cancer-predisposing syndrome. Also called: Neoplastic Syndromes, Hereditary; Tumor predisposition; Hereditary neoplastic syndrome; Hereditary Cancer Syndrome. Identifiers: Orphanet 140162, MedGen C0027672, MeSH D009386, MONDO:0015356.

Submission:

Ambry Genetics
Classification: Uncertain significance for Hereditary cancer-predisposing syndrome. Last evaluated: 2026-07-06. Review status: criteria provided, single submitter. Criteria: Ambry Variant Classification Scheme 2023. Collection method: clinical testing. Allele origin: germline.
Comment: The p.S129I variant (also known as c.386G>T), located in coding exon 5 of the MAX gene, results from a G to T substitution at nucleotide position 386. The serine at codon 129 is replaced by isoleucine, an amino acid with dissimilar properties. This amino acid position is conserved. In addition, this alteration is predicted to be tolerated by in silico analysis. Based on the available evidence, the clinical significance of this variant remains unclear.

NM_002382.5(MAX):c.386G>T (p.Ser129Ile)

Gene: MAX (MYC associated transcriptional regulator X; minus strand). Cytogenetic location: 14q23.3.
Variant type: single nucleotide variant.
Coding change: c.386G>T on transcript NM_002382.5 (MANE Select); coding-DNA position 386, G replaced by T.
Protein change: p.Ser129Ile; replaces serine 129 with isoleucine.
Molecular consequence: missense variant. On other transcripts: 3 prime UTR variant (12), non-coding transcript variant (7), intron variant (2).
Genome position (GRCh38, 1-based): chr14:65,076,573, C>A on the plus strand (G>T on the coding strand, the complement: MAX is on the minus strand). VCF-style: chr14-65076573-C-A. GRCh37 (hg19) VCF-style: chr14-65543291-C-A.
Other names: c.197G>T, p.Ser66Ile (NM_001320415.2, NM_001407105.1, NM_001407106.1 and 1 more transcripts); c.386G>T, p.Ser129Ile (NM_001407094.1); c.359G>T, p.Ser120Ile (NM_001407095.1, NM_145112.3); c.*159G>T (NM_001407096.1, NM_001407099.1, NM_001407102.1 and 2 more transcripts); c.*175G>T (NM_001407097.1, NM_001407100.1, NM_001407101.1 and 4 more transcripts); c.278G>T, p.Ser93Ile (NM_001407098.1); c.185G>T, p.Ser62Ile (NM_001407111.1, NM_001407112.1); c.144+17135G>T (NM_001271069.2); and 1 more; short protein forms S66I, S93I, S62I, S129I, S120I.
Identifiers: ClinVar variation 5023920 (VCV005023920.1).